The following is an entry in ClinVar:

ClinVar aggregate classification (germline): Conflicting classifications of pathogenicity. Review status: criteria provided, conflicting classifications (1 of 4 stars). 6 submissions from 5 submitters: Uncertain significance (2); Likely benign (4). Last evaluated 2026-01-21.

Conditions:
ENPP1-related disorder. Also called: ENPP1-related disorders; ENPP1-related condition.
Hypophosphatemic rickets, autosomal recessive, 2 (ARHR2). Identifiers: Orphanet 289176, MedGen C2750078, MONDO:0013219, OMIM 613312.
Arterial calcification, generalized, of infancy, 1 (GACI1). Also called: Idiopathic Infantile Arterial Calcification. Identifiers: Orphanet 51608, MedGen C4551985, MONDO:0008817, OMIM 208000.

Allele frequency attached by ClinVar (database versions not stated): 1000 Genomes Project 30x 0.00016; ExAC 0.00026; TOPMed 0.00047.
gnomAD v4.1: 930 of 1,509,850 alleles (0.062%); highest among the groups gnomAD compares: Non-Finnish European, 0.075%; no homozygotes.

Submissions (6):

Labcorp Genetics (formerly Invitae), Labcorp
Classification: Likely benign. Last evaluated: 2026-01-21. Review status: criteria provided, single submitter. Criteria: Invitae Variant Classification Sherloc (09022015). Collection method: clinical testing. Allele origin: germline.

PreventionGenetics, part of Exact Sciences
Classification: Likely benign for ENPP1-related condition. Last evaluated: 2025-10-30. Review status: criteria provided, single submitter. Criteria: ACMG Guidelines, 2015. Collection method: clinical testing. Allele origin: germline.
Comment: This variant is classified as likely benign based on ACMG/AMP sequence variant interpretation guidelines (Richards et al. 2015 PMID: 25741868, with internal and published modifications).

Blueprint Genetics
Classification: Likely benign. Last evaluated: 2024-10-24. Review status: criteria provided, single submitter. Criteria: ACMG Guidelines, 2015. Collection method: clinical testing. Allele origin: germline.

CeGaT Center for Human Genetics Tuebingen
Classification: Likely benign. Last evaluated: 2024-03-01. Review status: criteria provided, single submitter. Criteria: CeGaT Center For Human Genetics Tuebingen Variant Classification Criteria Version 2. Collection method: clinical testing. Allele origin: germline. Affected: yes. Observed: 1 variant allele.
Comment: ENPP1: BP4, BP7

Illumina Laboratory Services, Illumina
Classification: Uncertain significance for Arterial calcification, generalized, of infancy, 1. Last evaluated: 2018-01-12. Review status: criteria provided, single submitter. Criteria: ICSL Variant Classification Criteria 13 December 2019. Collection method: clinical testing. Allele origin: germline.

Illumina Laboratory Services, Illumina
Classification: Uncertain significance for Hypophosphatemic rickets, autosomal recessive, 2. Last evaluated: 2018-01-12. Review status: criteria provided, single submitter. Criteria: ICSL Variant Classification Criteria 13 December 2019. Collection method: clinical testing. Allele origin: germline.

NM_006208.3(ENPP1):c.165G>A (p.Val55=)

Gene: ENPP1 (ectonucleotide pyrophosphatase/phosphodiesterase 1; plus strand). Cytogenetic location: 6q23.2.
Variant type: single nucleotide variant.
Coding change: c.165G>A on transcript NM_006208.3 (MANE Select); coding-DNA position 165, G replaced by A.
Protein change: p.Val55=; no amino-acid change (valine 55 retained).
Molecular consequence: synonymous variant.
Genome position (GRCh38, 1-based): chr6:131,808,200, G>A. VCF-style: chr6-131808200-G-A. GRCh37 (hg19) VCF-style: chr6-132129340-G-A.
Identifiers: ClinVar variation 355326 (VCV000355326.33), dbSNP rs768034745, ClinGen allele CA4001802.